The following is an entry in ClinVar:

ClinVar aggregate classification (germline): Likely benign. Review status: criteria provided, multiple submitters, no conflicts (2 of 4 stars). 2 submissions from 2 submitters: Likely benign (2). Last evaluated 2025-08-01.

Conditions:
Frasier syndrome. Identifiers: Orphanet 347, MedGen C0950122, MeSH D052159, MONDO:0007635, OMIM 136680.
Drash syndrome (DDS). Also called: NEPHROPATHY, WILMS TUMOR, AND GENITAL ANOMALIES; WILMS TUMOR AND PSEUDO- OR TRUE HERMAPHRODITISM. Identifiers: Orphanet 220, MedGen C0950121, MONDO:0008682, OMIM 194080.
Wilms tumor 1 (WT1). Also called: Wilms tumor, somatic. Identifiers: Orphanet 654, MedGen CN033288, MONDO:0008679, OMIM 194070.
11p partial monosomy syndrome (WAGR). Also called: WAGR syndrome; WAGR Spectrum Disorder; WAGR Complex; CHROMOSOME 11p13 DELETION SYNDROME. Identifiers: Orphanet 893, MedGen C0206115, MONDO:0008681, OMIM 194072.

Submissions (2):

CeGaT Center for Human Genetics Tuebingen
Classification: Likely benign. Last evaluated: 2025-08-01. Review status: criteria provided, single submitter. Criteria: CeGaT Center For Human Genetics Tuebingen Variant Classification Criteria Version 2. Collection method: clinical testing. Allele origin: germline. Affected: yes. Observed: 1 variant allele.
Comment: WT1: PM2:Supporting, BP4, BP7

Labcorp Genetics (formerly Invitae), Labcorp
Classification: Likely benign for Wilms tumor 1; Drash syndrome; 11p partial monosomy syndrome; Frasier syndrome. Last evaluated: 2022-05-22. Review status: criteria provided, single submitter. Criteria: Invitae Variant Classification Sherloc (09022015). Collection method: clinical testing. Allele origin: germline.

NM_024426.6(WT1):c.441G>A (p.Gln147=)

Genes: WT1 (WT1 transcription factor; minus strand), LOC107982234 (WT1/WT1-AS bi-directional promoter region; plus strand). Cytogenetic location: 11p13.
Variant type: single nucleotide variant.
Coding change: c.441G>A on transcript NM_024426.6 (MANE Select); coding-DNA position 441, G replaced by A.
Protein change: p.Gln147=; no amino-acid change (glutamine 147 retained).
Molecular consequence: synonymous variant. On other transcripts: non-coding transcript variant (2).
Genome position (GRCh38, 1-based): chr11:32,434,920, C>T on the plus strand (G>A on the coding strand, the complement: WT1 is on the minus strand). VCF-style: chr11-32434920-C-T. GRCh37 (hg19) VCF-style: chr11-32456466-C-T.
Other names: c.441G>A, p.Gln147= (NM_000378.6, NM_001407044.1, NM_001407045.1 and 6 more transcripts); c.426G>A, p.Gln142= (NM_024425.2).
Identifiers: ClinVar variation 2163426 (VCV002163426.12), dbSNP rs2133103352, ClinGen allele CA473571803.